The following is an entry in ClinVar:

NM_004646.4(NPHS1):c.2836G>T (p.Gly946Ter)

Gene: NPHS1 (NPHS1 adhesion molecule, nephrin; minus strand). Cytogenetic location: 19q13.12.
Variant type: single nucleotide variant.
Coding change: c.2836G>T on transcript NM_004646.4 (MANE Select); coding-DNA position 2836, G replaced by T.
Protein change: p.Gly946Ter; replaces glycine 946 with a stop codon.
Molecular consequence: nonsense.
Genome position (GRCh38, 1-based): chr19:35,839,587, C>A on the plus strand (G>T on the coding strand, the complement: NPHS1 is on the minus strand). VCF-style: chr19-35839587-C-A. GRCh37 (hg19) VCF-style: chr19-36330489-C-A.
Other names: short protein forms G946*.
Identifiers: ClinVar variation 4058997 (VCV004058997.2).
Genomic context (GRCh38, chr19:35,839,587, plus strand): 5'-CAAAGCCAGGCTTCCACTCCAGCCCCACGGAGTGTGGGGTCAGACTCACAACCTTTAATC[C>A]TGATGGAGGGTCAGGGCGGCCTATGGGGAGAAAGATGGGAAAGCAGTCAGAGGATACAAA-3'

ClinVar aggregate classification (germline): Likely pathogenic (1 of 4 stars; one submission).

Conditions:
Finnish congenital nephrotic syndrome (NPHS1). Also called: NEPHROTIC SYNDROME, TYPE 1. Identifiers: Orphanet 839, MedGen C0403399, MONDO:0009732, OMIM 256300.

Submission:

Natera, Inc.
Classification: Likely pathogenic for Finnish congenital nephrotic syndrome. Last evaluated: 2025-05-21. Review status: criteria provided, single submitter. Criteria: Natera Variant Classification Schema (03/2026). Collection method: clinical testing. Allele origin: germline.
Comment: The c.2836G>T variant in NPHS1 is a nonsense variant predicted to introduce a stop codon at amino acid 946. This variant is expected to result in nonsense mediated decay, truncation, or a dysfunctional protein product. This variant is rare in the general population with a frequency below the threshold expected for the associated phenotype(s). Given the available evidence, this variant is classified as Likely Pathogenic.